The following is an entry in ClinVar:

NM_001267550.2(TTN):c.102456T>A (p.His34152Gln)

Genes: TTN-AS1 (TTN antisense RNA 1; plus strand), TTN (titin; minus strand). Cytogenetic location: 2q31.2.
Variant type: single nucleotide variant.
Coding change: c.102456T>A on transcript NM_001267550.2 (MANE Select); coding-DNA position 102456, T replaced by A.
Protein change: p.His34152Gln; replaces histidine 34152 with glutamine.
Molecular consequence: missense variant.
Genome position (GRCh38, 1-based): chr2:178,534,159, A>T on the plus strand (T>A on the coding strand, the complement: TTN is on the minus strand). VCF-style: chr2-178534159-A-T. GRCh37 (hg19) VCF-style: chr2-179398886-A-T.
Other names: c.97533T>A, p.His32511Gln (NM_001256850.1); c.75261T>A, p.His25087Gln (NM_003319.4); c.94752T>A, p.His31584Gln (NM_133378.4); c.75636T>A, p.His25212Gln (NM_133432.3); c.75837T>A, p.His25279Gln (NM_133437.4); short protein forms H32511Q, H34152Q, H25279Q, H25212Q, H31584Q, H25087Q.
Identifiers: ClinVar variation 959584 (VCV000959584.10), dbSNP rs758384544, ClinGen allele CA1985747.

ClinVar aggregate classification (germline): Uncertain significance (1 of 4 stars; one submission).

Conditions:
Dilated cardiomyopathy 1G (CMD1G). Identifiers: Orphanet 154, MedGen C1858763, MONDO:0011400, OMIM 604145.
Autosomal recessive limb-girdle muscular dystrophy type 2J (LGMDR10). Also called: Limb-girdle muscular dystrophy, type 2J; MUSCULAR DYSTROPHY, LIMB-GIRDLE, AUTOSOMAL RECESSIVE 10. Identifiers: Orphanet 140922, MedGen C1837342, MONDO:0012127, OMIM 608807.

Allele frequency attached by ClinVar (database versions not stated): gnomAD below 0.00001 and 0.00001.
gnomAD v4.1: 58 of 1,613,822 alleles (0.0036%); highest among the groups gnomAD compares: South Asian, 0.064%; 1 homozygote.

Submission:

Labcorp Genetics (formerly Invitae), Labcorp
Classification: Uncertain significance for Dilated cardiomyopathy 1G; Autosomal recessive limb-girdle muscular dystrophy type 2J. Last evaluated: 2024-09-08. Review status: criteria provided, single submitter. Criteria: Invitae Variant Classification Sherloc (09022015). Collection method: clinical testing. Allele origin: germline.
Comment: This sequence change replaces histidine, which is basic and polar, with glutamine, which is neutral and polar, at codon 34152 of the TTN protein (p.His34152Gln). This variant is present in population databases (rs758384544, gnomAD 0.06%). This variant has not been reported in the literature in individuals affected with TTN-related conditions. ClinVar contains an entry for this variant (Variation ID: 959584). Experimental studies and prediction algorithms are not available or were not evaluated, and the functional significance of this variant is currently unknown. This variant is located in the M band of TTN (PMID: 25589632). Non-truncating variants in this region may be relevant for neuromuscular disorders, but have not been definitively shown to cause cardiomyopathy (PMID: 23975875). In summary, the available evidence is currently insufficient to determine the role of this variant in disease. Therefore, it has been classified as a Variant of Uncertain Significance.

Literature cited by the submitters: PubMed 25589632; PubMed 23975875.